The following is an entry in ClinVar:

ClinVar aggregate classification (germline): Conflicting classifications of pathogenicity. Review status: criteria provided, conflicting classifications (1 of 4 stars). 4 submissions from 4 submitters: Uncertain significance (3); Likely benign (1). Last evaluated 2026-05-01.

Conditions:
Nemaline myopathy 2 (NEM2). Also called: Nemaline myopathy 2, autosomal recessive. Identifiers: MedGen C1850569, MONDO:0009725, OMIM 256030.
Inborn genetic diseases. Identifiers: MedGen C0950123, MeSH D030342.

Allele frequency attached by ClinVar (database versions not stated): ExAC 0.00007; gnomAD 0.00009; gnomAD exomes 0.00003; TOPMed 0.00009; 1000 Genomes Project 30x 0.00016; 1000 Genomes Project 0.00020.
gnomAD v4.1: 54 of 1,613,988 alleles (0.0033%); highest among the groups gnomAD compares: Admixed American, 0.033%; no homozygotes.

Submissions (4):

CeGaT Center for Human Genetics Tuebingen
Classification: Uncertain significance. Last evaluated: 2026-05-01. Review status: criteria provided, single submitter. Criteria: CeGaT Center For Human Genetics Tuebingen Variant Classification Criteria Version 2. Collection method: clinical testing. Allele origin: germline. Affected: yes. Observed: 1 variant allele.
Comment: NEB: PM2, BP4

Labcorp Genetics (formerly Invitae), Labcorp
Classification: Likely benign for Nemaline myopathy 2. Last evaluated: 2025-12-17. Review status: criteria provided, single submitter. Criteria: Invitae Variant Classification Sherloc (09022015). Collection method: clinical testing. Allele origin: germline.

Revvity Omics, Revvity
Classification: Uncertain significance. Last evaluated: 2025-02-24. Review status: criteria provided, single submitter. Criteria: ACMG Guidelines, 2015. Collection method: clinical testing. Allele origin: germline.

Ambry Genetics
Classification: Uncertain significance for Inborn genetic diseases. Last evaluated: 2024-05-28. Review status: criteria provided, single submitter. Criteria: Ambry Variant Classification Scheme 2023. Collection method: clinical testing. Allele origin: germline.

NM_001164508.2(NEB):c.8090T>C (p.Phe2697Ser)

Gene: NEB (nebulin; minus strand). Cytogenetic location: 2q23.3.
Variant type: single nucleotide variant.
Coding change: c.8090T>C on transcript NM_001164508.2 (MANE Select); coding-DNA position 8090, T replaced by C.
Protein change: p.Phe2697Ser; replaces phenylalanine 2697 with serine.
Molecular consequence: missense variant.
Genome position (GRCh38, 1-based): chr2:151,643,220, A>G on the plus strand (T>C on the coding strand, the complement: NEB is on the minus strand). VCF-style: chr2-151643220-A-G. GRCh37 (hg19) VCF-style: chr2-152499734-A-G.
Other names: c.8090T>C, p.Phe2697Ser (NM_001164507.2, NM_001271208.2, NM_004543.5); c.8090T>C (NM_004543.4); short protein forms F2697S.
Identifiers: ClinVar variation 2405046 (VCV002405046.12), dbSNP rs563560112, ClinGen allele CA1909686.